The following is an entry in ClinVar:

ClinVar aggregate classification (germline): Uncertain significance (1 of 4 stars; one submission).

Allele frequency attached by ClinVar (database versions not stated): TOPMed below 0.00001.

Submission:

CeGaT Center for Human Genetics Tuebingen
Classification: Uncertain significance. Last evaluated: 2023-01-01. Review status: criteria provided, single submitter. Criteria: CeGaT Center For Human Genetics Tuebingen Variant Classification Criteria Version 2. Collection method: clinical testing. Allele origin: germline. Affected: yes. Observed: 1 variant allele.
Comment: ANKRD11: PM2, BP4

NM_013275.6(ANKRD11):c.2966C>G (p.Ser989Cys)

Gene: ANKRD11 (ankyrin repeat domain 11; minus strand). Cytogenetic location: 16q24.3.
Variant type: single nucleotide variant.
Coding change: c.2966C>G on transcript NM_013275.6 (MANE Select); coding-DNA position 2966, C replaced by G.
Protein change: p.Ser989Cys; replaces serine 989 with cysteine.
Molecular consequence: missense variant.
Genome position (GRCh38, 1-based): chr16:89,283,576, G>C on the plus strand (C>G on the coding strand, the complement: ANKRD11 is on the minus strand). VCF-style: chr16-89283576-G-C. GRCh37 (hg19) VCF-style: chr16-89349984-G-C.
Other names: c.2966C>G, p.Ser989Cys (NM_001256183.2, NM_001256182.2); short protein forms S989C.
Identifiers: ClinVar variation 2647082 (VCV002647082.24), dbSNP rs368190149, ClinGen allele CA397160893.
Genomic context (GRCh38, chr16:89,283,576, plus strand): 5'-TTCTCTCGTGCTGGGTGGTGCCGTTCCCACGGCTCCAGGCCCTTCCCAAAGTCGCCGTCG[G>C]ACTTGTCCTTGAAGCCACTCTCGCAGCCACACTCCTTCAGCTCCTCCCGGTGCGCCTCCT-3'
Protein context (NP_037407.4, residues 979-999): CGCESGFKDK[Ser989Cys]DGDFGKGLEP